The following is an entry in ClinVar:

NM_000548.5(TSC2):c.5229G>A (p.Arg1743=)

Gene: TSC2 (TSC complex subunit 2; plus strand). Cytogenetic location: 16p13.3.
Variant type: single nucleotide variant.
Coding change: c.5229G>A on transcript NM_000548.5 (MANE Select); coding-DNA position 5229, G replaced by A.
Protein change: p.Arg1743=; no amino-acid change (arginine 1743 retained).
Molecular consequence: synonymous variant. On other transcripts: non-coding transcript variant (5).
Genome position (GRCh38, 1-based): chr16:2,088,295, G>A. VCF-style: chr16-2088295-G-A. GRCh37 (hg19) VCF-style: chr16-2138296-G-A.
Other names: c.4884G>A, p.Arg1628= (NM_001318829.2); c.4497G>A, p.Arg1499= (NM_001318831.2); c.5061G>A, p.Arg1687= (NM_001318832.2); c.5031G>A, p.Arg1677= (NM_001363528.2); c.5097G>A, p.Arg1699= (NM_001370404.1); c.5088G>A, p.Arg1696= (NM_001370405.1); c.5226G>A, p.Arg1742= (NM_001406663.1); c.5157G>A, p.Arg1719= (NM_001406664.1); and 27 more.
Identifiers: ClinVar variation 3386186 (VCV003386186.1).

ClinVar aggregate classification (germline): Likely benign (1 of 4 stars; one submission).

Conditions:
Tuberous sclerosis syndrome (TSC). Also called: Tuberous Sclerosis Complex; Tuberous sclerosis. Identifiers: Orphanet 805, MedGen C0041341, MONDO:0001734.

Submission:

All of Us Research Program, National Institutes of Health
Classification: Likely benign for Tuberous sclerosis syndrome. Last evaluated: 2024-06-17. Review status: criteria provided, single submitter. Criteria: ACMG Guidelines, 2015. Collection method: clinical testing. Allele origin: germline. Inheritance: Autosomal dominant inheritance. Observed: 1 variant allele, 1 heterozygote.
Comment: This study involves interpretation of variants in research participants for the purpose of population health screening. Participant phenotype was not available at the time of variant classification. Additional details can be found in publication PMID: 35346344, PMCID: PMC8962531